The following is an entry in ClinVar:

ClinVar aggregate classification (germline): Uncertain significance (1 of 4 stars; one submission).

Conditions:
Cerebroretinal microangiopathy with calcifications and cysts 2 (CRMCC2). Identifiers: MedGen C4479220, MONDO:0015026, OMIM 617341.

Submission:

St. Jude Molecular Pathology, St. Jude Children's Research Hospital
Classification: Uncertain significance for Cerebroretinal microangiopathy with calcifications and cysts 2. Last evaluated: 2026-10-01. Review status: criteria provided, single submitter. Criteria: St. Jude Assertion Criteria 2020. Collection method: clinical testing. Allele origin: germline.
Comment: The STN1 c.433C>T p.(Arg145Ter) change is a nonsense variant that is predicted to cause premature protei n truncation or absence of protein due to nonsense-mediated decay. However, loss of function is not an established mechanism of disease in STN1. To our knowledge, this variant has not been reported in the literature in individuals with STN1-related disea se. This variant is absent in gnomAD v2.1.1. In summary, the evidence currently available is insufficient to determine the clinical significance of this variant. It has therefore been classified as of uncertain significance (VUS-low).

NM_024928.5(STN1):c.433C>T (p.Arg145Ter)

Gene: STN1 (STN1 subunit of CST complex; minus strand). Cytogenetic location: 10q24.33.
Variant type: single nucleotide variant.
Coding change: c.433C>T on transcript NM_024928.5 (MANE Select); coding-DNA position 433, C replaced by T.
Protein change: p.Arg145Ter; replaces arginine 145 with a stop codon.
Molecular consequence: nonsense.
Genome position (GRCh38, 1-based): chr10:103,900,086, G>A on the plus strand (C>T on the coding strand, the complement: STN1 is on the minus strand). VCF-style: chr10-103900086-G-A. GRCh37 (hg19) VCF-style: chr10-105659844-G-A.
Other names: short protein forms R145*.
Identifiers: ClinVar variation 5038387 (VCV005038387.1).